The following is an entry in ClinVar:

NM_001276270.2(MBD4):c.104+3A>G

Gene: MBD4 (methyl-CpG binding domain 4, DNA glycosylase; minus strand). Cytogenetic location: 3q21.3.
Variant type: single nucleotide variant.
Coding change: c.104+3A>G on transcript NM_001276270.2 (MANE Select); 3 bases into the intron after coding-DNA position 104, A replaced by G.
Molecular consequence: intron variant.
Genome position (GRCh38, 1-based): chr3:129,439,727, T>C on the plus strand (A>G on the coding strand, the complement: MBD4 is on the minus strand). VCF-style: chr3-129439727-T-C. GRCh37 (hg19) VCF-style: chr3-129158570-T-C.
Other names: c.104+3A>G (NM_001276273.2, NM_001276272.2, NM_003925.3 and 1 more transcripts).
Identifiers: ClinVar variation 4715151 (VCV004715151.1).

ClinVar aggregate classification (germline): Uncertain significance (1 of 4 stars; one submission).

gnomAD v4.1: 2 of 1,565,720 alleles (0.00013%); highest among the groups gnomAD compares: South Asian, 0.0012%; no homozygotes.

Submission:

Labcorp Genetics (formerly Invitae), Labcorp
Classification: Uncertain significance. Last evaluated: 2025-03-16. Review status: criteria provided, single submitter. Criteria: Invitae Variant Classification Sherloc (09022015). Collection method: clinical testing. Allele origin: germline.
Comment: This sequence change falls in intron 1 of the MBD4 gene. It does not directly change the encoded amino acid sequence of the MBD4 protein. It affects a nucleotide within the consensus splice site. This variant is not present in population databases (gnomAD no frequency). This variant has not been reported in the literature in individuals affected with MBD4-related conditions. Variants that disrupt the consensus splice site are a relatively common cause of aberrant splicing (PMID: 17576681, 9536098). Algorithms developed to predict the effect of sequence changes on RNA splicing suggest that this variant is not likely to affect RNA splicing. In summary, the available evidence is currently insufficient to determine the role of this variant in disease. Therefore, it has been classified as a Variant of Uncertain Significance.

Literature cited by the submitters: PubMed 17576681; PubMed 9536098.